The following is an entry in ClinVar:

ClinVar aggregate classification (germline): Uncertain significance (1 of 4 stars; one submission).

Conditions:
Charcot-Marie-Tooth disease, type I (CMT1). Also called: Charcot-Marie-Tooth, Type 1; Charcot-Marie-Tooth disease type 1. Identifiers: Orphanet 65753, MedGen C0751036, MONDO:0019011.

Submission:

Labcorp Genetics (formerly Invitae), Labcorp
Classification: Uncertain significance for Charcot-Marie-Tooth disease, type I. Last evaluated: 2023-06-21. Review status: criteria provided, single submitter. Criteria: Invitae Variant Classification Sherloc (09022015). Collection method: clinical testing. Allele origin: germline.
Comment: This sequence change replaces lysine, which is basic and polar, with asparagine, which is neutral and polar, at codon 5 of the EGR2 protein (p.Lys5Asn). This variant is not present in population databases (gnomAD no frequency). This variant has not been reported in the literature in individuals affected with EGR2-related conditions. Advanced modeling of protein sequence and biophysical properties (such as structural, functional, and spatial information, amino acid conservation, physicochemical variation, residue mobility, and thermodynamic stability) has been performed at Invitae for this missense variant, however the output from this modeling did not meet the statistical confidence thresholds required to predict the impact of this variant on EGR2 protein function. In summary, the available evidence is currently insufficient to determine the role of this variant in disease. Therefore, it has been classified as a Variant of Uncertain Significance.

NM_000399.5(EGR2):c.15G>T (p.Lys5Asn)

Gene: EGR2 (early growth response 2; minus strand). Cytogenetic location: 10q21.3.
Variant type: single nucleotide variant.
Coding change: c.15G>T on transcript NM_000399.5 (MANE Select); coding-DNA position 15, G replaced by T.
Protein change: p.Lys5Asn; replaces lysine 5 with asparagine.
Molecular consequence: missense variant. On other transcripts: intron variant (3).
Genome position (GRCh38, 1-based): chr10:62,816,015, C>A on the plus strand (G>T on the coding strand, the complement: EGR2 is on the minus strand). VCF-style: chr10-62816015-C-A. GRCh37 (hg19) VCF-style: chr10-64575775-C-A.
Other names: c.15G>T, p.Lys5Asn (NM_001136177.3, NM_001136178.2); c.100-46G>T (NM_001410931.1); c.-90-46G>T (NM_001321037.2, NM_001136179.3); short protein forms K5N.
Identifiers: ClinVar variation 2720353 (VCV002720353.3), dbSNP rs2492308834, ClinGen allele CA377034613.
Genomic context (GRCh38, chr10:62,816,015, plus strand): 5'-GATGTTGTCAGACAGCTGGTGCACAAAACCACTGAGAGTTACTGGGATTTTGTCTACGGC[C>A]TTGGCGGTCATCATTTGCTCCTCGCACAACCTGGAGACCCAACTCCCTCGCTACCTGGAG-3'
Protein context (NP_000390.2, residues 1-15): MMTA[Lys5Asn]AVDKIPVTLS